The following is an entry in ClinVar:

NM_000219.6(KCNE1):c.272A>T (p.Asp91Val)

Gene: KCNE1 (potassium voltage-gated channel subfamily E regulatory subunit 1; minus strand). Cytogenetic location: 21q22.12.
Variant type: single nucleotide variant.
Coding change: c.272A>T on transcript NM_000219.6 (MANE Select); coding-DNA position 272, A replaced by T.
Protein change: p.Asp91Val; replaces aspartic acid 91 with valine.
Molecular consequence: missense variant.
Genome position (GRCh38, 1-based): chr21:34,449,363, T>A on the plus strand (A>T on the coding strand, the complement: KCNE1 is on the minus strand). VCF-style: chr21-34449363-T-A. GRCh37 (hg19) VCF-style: chr21-35821661-T-A.
Other names: c.272A>T, p.Asp91Val (NM_001127668.4, NM_001127669.4, NM_001127670.4 and 4 more transcripts); short protein forms D91V.
Identifiers: ClinVar variation 3374498 (VCV003374498.2).
Genomic context (GRCh38, chr21:34,449,363, plus strand): 5'-TTTTCAACGACATAGCACGACCTGTAGCTCTCCAGGACCCGGGCCTGGACATAGGCCTTG[T>A]CCTTCTCTTGCCAGGCATCGGACTCGATGTAGACGTTGAATGGGTCGTTCGAGTGCTCCA-3'
Protein context (NP_000210.2, residues 81-101): YIESDAWQEK[Asp91Val]KAYVQARVLE

Conditions:
Long QT syndrome 5 (LQT5). Identifiers: Orphanet 101016, Orphanet 768, MedGen C1867904, MONDO:0013372, OMIM 613695.

Submission:

Roden Lab, Vanderbilt University Medical Center
No classification provided (evidence only). Condition: Long QT syndrome 5. Review status: no classification provided. Collection method: in vitro. Allele origin: not applicable. Functional consequence: Effect on ion channel function.
ClinVar note: "not provided" was previously submitted as the classification for the variant. However, the classification appeared to be based only on an observation of functional data so it was converted to no classification on 2025-07-30.